The following is an entry in ClinVar:

ClinVar aggregate classification (germline): not provided. Review status: no classification provided (0 of 4 stars). 2 submissions from 1 submitter: not provided (2).

Conditions:
Normal pregnancy. Identifiers: MedGen C0232989.
Small for gestational age. Also called: Low birth weight. Identifiers: MedGen C0235991, HP:0001518.

Submissions (2):

Institute of Molecular and Cell Biology, University of Tartu
No classification provided. Condition: Normal pregnancy. Review status: no classification provided. Collection method: case-control. Allele origin: unknown. Affected: yes. Study: Kasak2014.
Comment: The study aimed to determine the contribution of copy number variants in the genetic etiology of normal and complicated pregnancies. The samples represented (i) maternal blood DNA drawn from healthy pregnant women during 1st or 2nd trimester and (ii) maternal and paternal blood DNA drawn at term pregnancy cases representing normal and complicated gestations (severe preeclampsia, PE; gestational diabetes, GD; small-for-gestational age newborn, SGA; large-for-gestational age newborn, LGA). We performed CNV calling based on genome-wide genotyping dataset (Illumina HumanOmniExpress-24-v1 BeadChip) by applying three algorithms, QuantiSNP, GADA (Genome Alteration Detection Algorithm) and CNstream in parallel. The acquired CNV calls were merged with HD-CNV (Hotspot Detector for Copy Number Variants) program and only the CNVs predicted by at least two programs, were considered in subsequent analysis.

Institute of Molecular and Cell Biology, University of Tartu
No classification provided. Condition: Small for gestational age. Review status: no classification provided. Collection method: case-control. Allele origin: unknown. Affected: yes. Study: Kasak2014.
Comment: the same text as in the submission from Institute of Molecular and Cell Biology, University of Tartu above.

Literature cited by the submitters: PubMed 25666259.

NC_000003.12:g.22241802_22244073del

Gene: ZNF385D (zinc finger protein 385D; minus strand). Cytogenetic location: 3p24.3.
Variant type: Deletion.
Genome position: GRCh38: chr3:22,241,802-22,244,073. GRCh37 (hg19): chr3:22,283,294-22,285,565.
Identifiers: ClinVar variation 156842 (VCV000156842.3), ClinGen allele CA212026.